The following is an entry in ClinVar:

ClinVar aggregate classification (germline): Benign (1 of 4 stars; one submission).

Conditions:
Oligodontia-cancer predisposition syndrome. Also called: TOOTH AGENESIS-COLORECTAL CANCER SYNDROME. Identifiers: Orphanet 300576, MedGen C1837750, MONDO:0012075, OMIM 608615. Disease mechanism: loss of function.

Submission:

Myriad Genetics, Inc.
Classification: Benign for Oligodontia-cancer predisposition syndrome. Last evaluated: 2024-07-10. Review status: criteria provided, single submitter. Criteria: Myriad Autosomal Dominant, Autosomal Recessive and X-Linked Classification Criteria (2023). Collection method: clinical testing. Allele origin: unknown.
Comment: This variant is considered benign. This variant is a silent/synonymous amino acid change and it is not expected to impact splicing.

NM_004655.4(AXIN2):c.2154C>G (p.Ala718=)

Gene: AXIN2 (axin 2; minus strand). Cytogenetic location: 17q24.1.
Variant type: single nucleotide variant.
Coding change: c.2154C>G on transcript NM_004655.4 (MANE Select); coding-DNA position 2154, C replaced by G.
Protein change: p.Ala718=; no amino-acid change (alanine 718 retained).
Molecular consequence: synonymous variant.
Genome position (GRCh38, 1-based): chr17:65,535,709, G>C on the plus strand (C>G on the coding strand, the complement: AXIN2 is on the minus strand). VCF-style: chr17-65535709-G-C. GRCh37 (hg19) VCF-style: chr17-63531827-G-C.
Other names: c.1959C>G, p.Ala653= (NM_001363813.1).
Identifiers: ClinVar variation 3379005 (VCV003379005.1).
Genomic context (GRCh38, chr17:65,535,709, plus strand): 5'-GGAGAAGGGTGTGGCTCCCGTCTGAACAGTGGCCGAATGATTCCTGTCCCTCTGCTGACT[G>C]GCCACACAGCACCTGAGGACACAGCCAGGGCGAGGGATTTAGAGGTACACTGTTGTCCCC-3'
Protein context (NP_004646.3, residues 708-728): SKPPKQRCCV[Ala718=]SQQRDRNHSA